The following is an entry in ClinVar:

NM_001048174.2(MUTYH):c.811C>G (p.Gln271Glu)

Gene: MUTYH (mutY DNA glycosylase; minus strand). Cytogenetic location: 1p34.1.
Variant type: single nucleotide variant.
Coding change: c.811C>G on transcript NM_001048174.2 (MANE Select); coding-DNA position 811, C replaced by G.
Protein change: p.Gln271Glu; replaces glutamine 271 with glutamic acid.
Molecular consequence: missense variant. On other transcripts: non-coding transcript variant (7).
Genome position (GRCh38, 1-based): chr1:45,332,204, G>C on the plus strand (C>G on the coding strand, the complement: MUTYH is on the minus strand). VCF-style: chr1-45332204-G-C. GRCh37 (hg19) VCF-style: chr1-45797876-G-C.
Other names: c.811C>G, p.Gln271Glu (NM_001048171.2, NM_001048173.2, NM_001293195.2 and 6 more transcripts); c.814C>G, p.Gln272Glu (NM_001048172.2, NM_001407071.1, NM_001407078.1 and 1 more transcripts); c.895C>G, p.Gln299Glu (NM_001128425.2); c.856C>G, p.Gln286Glu (NM_001293190.2); c.844C>G, p.Gln282Glu (NM_001293191.2, NM_001407069.1, NM_001407077.1); c.535C>G, p.Gln179Glu (NM_001293192.2, NM_001293196.2, NM_001407091.1); c.466C>G, p.Gln156Glu (NM_001350650.2, NM_001350651.2, NM_001407082.1); c.727C>G, p.Gln243Glu (NM_001407075.1); and 5 more; short protein forms Q258E, Q271E, Q299E, Q278E, Q286E, Q296E, Q243E, Q257E.
Identifiers: ClinVar variation 4113890 (VCV004113890.1).

ClinVar aggregate classification (germline): Uncertain significance (1 of 4 stars; one submission).

Conditions:
Hereditary cancer-predisposing syndrome. Also called: Hereditary neoplastic syndrome; Neoplastic Syndromes, Hereditary; Tumor predisposition; Hereditary Cancer Syndrome. Identifiers: Orphanet 140162, MedGen C0027672, MeSH D009386, MONDO:0015356.

Submission:

Ambry Genetics
Classification: Uncertain significance for Hereditary cancer-predisposing syndrome. Last evaluated: 2025-08-27. Review status: criteria provided, single submitter. Criteria: Ambry Variant Classification Scheme 2023. Collection method: clinical testing. Allele origin: germline.
Comment: The p.Q299E variant (also known as c.895C>G), located in coding exon 10 of the MUTYH gene, results from a C to G substitution at nucleotide position 895. The glutamine at codon 299 is replaced by glutamic acid, an amino acid with highly similar properties. This amino acid position is conserved. In addition, this alteration is predicted to be tolerated by in silico analysis. Based on the available evidence, the clinical significance of this variant remains unclear.